The following is an entry in ClinVar:

ClinVar aggregate classification (germline): Uncertain significance. Review status: criteria provided, multiple submitters, no conflicts (2 of 4 stars). 2 submissions from 2 submitters: Uncertain significance (2). Last evaluated 2024-01-23.

Conditions:
Encephalopathy, acute, infection-induced (herpes-specific), susceptibility to, 1. Also called: Herpes simplex encephalitis, susceptibility to, 1. Identifiers: Orphanet 1930, MedGen C2750180, MONDO:0024563, OMIM 610551.

Allele frequency attached by ClinVar (database versions not stated): ExAC 0.00002; gnomAD 0.00003; TOPMed 0.00005.
gnomAD v4.1: 49 of 1,613,500 alleles (0.003%); highest among the groups gnomAD compares: Admixed American, 0.017%; no homozygotes.

Submissions (2):

Ambry Genetics
Classification: Uncertain significance. Last evaluated: 2024-01-23. Review status: criteria provided, single submitter. Criteria: Ambry Variant Classification Scheme 2023. Collection method: clinical testing. Allele origin: germline.

Labcorp Genetics (formerly Invitae), Labcorp
Classification: Uncertain significance for Encephalopathy, acute, infection-induced (herpes-specific), susceptibility to, 1. Last evaluated: 2022-05-07. Review status: criteria provided, single submitter. Criteria: Invitae Variant Classification Sherloc (09022015). Collection method: clinical testing. Allele origin: germline.
Comment: In summary, the available evidence is currently insufficient to determine the role of this variant in disease. Therefore, it has been classified as a Variant of Uncertain Significance. Experimental studies and prediction algorithms are not available or were not evaluated, and the functional significance of this variant is currently unknown. This variant has not been reported in the literature in individuals affected with UNC93B1-related conditions. This variant is present in population databases (rs779331638, gnomAD 0.01%). This sequence change replaces arginine, which is basic and polar, with glutamine, which is neutral and polar, at codon 207 of the UNC93B1 protein (p.Arg207Gln).

NM_030930.4(UNC93B1):c.620G>A (p.Arg207Gln)

Gene: UNC93B1 (unc-93B1 regulator of TLR signaling; minus strand). Cytogenetic location: 11q13.2.
Variant type: single nucleotide variant.
Coding change: c.620G>A on transcript NM_030930.4 (MANE Select); coding-DNA position 620, G replaced by A.
Protein change: p.Arg207Gln; replaces arginine 207 with glutamine.
Molecular consequence: missense variant.
Genome position (GRCh38, 1-based): chr11:67,999,240, C>T on the plus strand (G>A on the coding strand, the complement: UNC93B1 is on the minus strand). VCF-style: chr11-67999240-C-T. GRCh37 (hg19) VCF-style: chr11-67766710-C-T.
Other names: short protein forms R207Q.
Identifiers: ClinVar variation 2188038 (VCV002188038.3), dbSNP rs779331638, ClinGen allele CA6145592.